The following is an entry in ClinVar:

ClinVar aggregate classification (germline): Pathogenic (1 of 4 stars; one submission).

Conditions:
Melnick-Needles syndrome (MNS). Also called: MELNICK-NEEDLES OSTEODYSPLASTY; OSTEODYSPLASTY OF MELNICK AND NEEDLES; Melnick-Needles Syndrome (FLNA-MNS). Identifiers: Orphanet 2484, MedGen C0025237, MONDO:0010650, OMIM 309350.
Heterotopia, periventricular, X-linked dominant (PVNH1). Also called: PERIVENTRICULAR NODULAR HETEROTOPIA 1; X-linked periventricular heterotopia; PERIVENTRICULAR NODULAR HETEROTOPIA 4; HETEROTOPIA, PERIVENTRICULAR, 1. Identifiers: Orphanet 2149, Orphanet 82004, MedGen C1848213, MONDO:0010233, OMIM 300049.
Frontometaphyseal dysplasia (FMD1). Identifiers: Orphanet 1826, MedGen C0265293, MONDO:0015942.
Oto-palato-digital syndrome, type II (OPD2). Also called: FACIOPALATOOSSEOUS SYNDROME; OPD II SYNDROME; Otopalatodigital Syndrome Type 2 (FLNA-OPD2); Otopalatodigital Syndrome, Type II. Identifiers: Orphanet 669, Orphanet 90652, MedGen C1844696, MONDO:0010571, OMIM 304120.

Submission:

Labcorp Genetics (formerly Invitae), Labcorp
Classification: Pathogenic for Oto-palato-digital syndrome, type II; Heterotopia, periventricular, X-linked dominant; Frontometaphyseal dysplasia; Melnick-Needles syndrome. Last evaluated: 2022-04-11. Review status: criteria provided, single submitter. Criteria: Invitae Variant Classification Sherloc (09022015). Collection method: clinical testing. Allele origin: germline.
Comment: This sequence change creates a premature translational stop signal (p.Ala2249Valfs*24) in the FLNA gene. It is expected to result in an absent or disrupted protein product. Loss-of-function variants in FLNA are known to be pathogenic (PMID: 16684786, 20730588, 26471271). For these reasons, this variant has been classified as Pathogenic. Algorithms developed to predict the effect of sequence changes on RNA splicing suggest that this variant may disrupt the consensus splice site. This variant has not been reported in the literature in individuals affected with FLNA-related conditions. This variant is not present in population databases (gnomAD no frequency).

Literature cited by the submitters: PubMed 16684786; PubMed 20730588; PubMed 26471271.

NM_001110556.2(FLNA):c.6770_6774del (p.Ala2257fs)

Gene: FLNA (filamin A; minus strand). Cytogenetic location: Xq28.
Variant type: Deletion.
Coding change: c.6770_6774del on transcript NM_001110556.2 (MANE Select); coding-DNA positions 6770 to 6774, 5 bases deleted (CCGAA; older notation c.6770_6774delCCGAA).
Protein change: p.Ala2257fs; shifts the reading frame from alanine 2257.
Molecular consequence: frameshift variant.
Genome position (GRCh38, 1-based): chrX:154,352,017-154,352,021, TTCGG deleted on the plus strand (CCGAA on the coding strand, the reverse complement: FLNA is on the minus strand). VCF-style (leftmost placement, unchanged base first): chrX-154352016-ATTCGG-A. GRCh37 (hg19) VCF-style: chrX-153580384-ATTCGG-A.
Other names: c.6746_6750del, p.Ala2249fs (NM_001456.4); short protein forms A2257fs, A2249fs.
Identifiers: ClinVar variation 2124554 (VCV002124554.4), dbSNP rs2522719819, ClinGen allele CA2580101906.